The following is an entry in ClinVar:

NM_006206.6(PDGFRA):c.1438G>A (p.Asp480Asn)

Gene: PDGFRA (platelet derived growth factor receptor alpha; plus strand). Cytogenetic location: 4q12.
Variant type: single nucleotide variant.
Coding change: c.1438G>A on transcript NM_006206.6 (MANE Select); coding-DNA position 1438, G replaced by A.
Protein change: p.Asp480Asn; replaces aspartic acid 480 with asparagine.
Molecular consequence: missense variant.
Genome position (GRCh38, 1-based): chr4:54,273,610, G>A. VCF-style: chr4-54273610-G-A. GRCh37 (hg19) VCF-style: chr4-55139777-G-A.
Other names: c.1438G>A, p.Asp480Asn (NM_001347827.2, NM_001347829.2); c.1513G>A, p.Asp505Asn (NM_001347828.2); c.1477G>A, p.Asp493Asn (NM_001347830.2); short protein forms D480N, D493N, D505N.
Identifiers: ClinVar variation 459001 (VCV000459001.16), dbSNP rs746522772, ClinGen allele CA2922568.
Genomic context (GRCh38, chr4:54,273,610, plus strand): 5'-ACTTCCTGGACTATTTTGGCCAACAATGTCTCAAACATCATCACGGAGATCCACTCCCGA[G>A]ACAGGAGTACCGTGGAGGGCCGTGTGACTTTCGCCAAAGTGGAGGAGACCATCGCCGTGC-3'
Protein context (NP_006197.1, residues 470-490): SNIITEIHSR[Asp480Asn]RSTVEGRVTF

ClinVar aggregate classification (germline): Uncertain significance. Review status: criteria provided, multiple submitters, no conflicts (2 of 4 stars). 4 submissions from 4 submitters: Uncertain significance (4). Last evaluated 2026-03-30.

Conditions:
Hereditary cancer-predisposing syndrome. Also called: Tumor predisposition; Hereditary neoplastic syndrome; Neoplastic Syndromes, Hereditary; Hereditary Cancer Syndrome. Identifiers: Orphanet 140162, MedGen C0027672, MeSH D009386, MONDO:0015356.
Polyps, multiple and recurrent inflammatory fibroid, gastrointestinal. Identifiers: MedGen C5193005, MONDO:0008285, OMIM 175510.
Gastrointestinal stromal tumor. Also called: Gastrointestinal stroma tumor; Gastrointestinal stromal tumor, somatic. Identifiers: Orphanet 44890, MedGen C0238198, MeSH D046152, MONDO:0011719, OMIM 606764, HP:0100723.

Allele frequency attached by ClinVar (database versions not stated): ExAC 0.00001; gnomAD 0.00001; gnomAD exomes 0.00001; TOPMed 0.00001.
gnomAD v4.1: 8 of 1,613,938 alleles (0.0005%); highest among the groups gnomAD compares: South Asian, 0.0044%; no homozygotes.

Submissions (4):

Dasa
Classification: Uncertain significance. Last evaluated: 2026-03-30. Review status: criteria provided, single submitter. Criteria: DASA Assertion Criteria. Collection method: clinical testing. Allele origin: germline.
Comment: NM_006206.6(PDGFRA):c.1438G>A (p.Asp480Asn) is a missense variant that results in the substitution of aspartic acid with asparagine. The variant is present at low frequency in population datasets. Based on the available data, this variant is classified as variant of uncertain significance.

Labcorp Genetics (formerly Invitae), Labcorp
Classification: Uncertain significance for Gastrointestinal stromal tumor. Last evaluated: 2025-10-18. Review status: criteria provided, single submitter. Criteria: Invitae Variant Classification Sherloc (09022015). Collection method: clinical testing. Allele origin: germline.
Comment: This sequence change replaces aspartic acid, which is acidic and polar, with asparagine, which is neutral and polar, at codon 480 of the PDGFRA protein (p.Asp480Asn). This variant is present in population databases (rs746522772, gnomAD 0.005%). This variant has not been reported in the literature in individuals affected with PDGFRA-related conditions. ClinVar contains an entry for this variant (Variation ID: 459001). Invitae Evidence Modeling of protein sequence and biophysical properties (such as structural, functional, and spatial information, amino acid conservation, physicochemical variation, residue mobility, and thermodynamic stability) indicates that this missense variant is not expected to disrupt PDGFRA protein function with a negative predictive value of 80%. In summary, the available evidence is currently insufficient to determine the role of this variant in disease. Therefore, it has been classified as a Variant of Uncertain Significance.

Ambry Genetics
Classification: Uncertain significance for Hereditary cancer-predisposing syndrome. Last evaluated: 2025-08-31. Review status: criteria provided, single submitter. Criteria: Ambry Variant Classification Scheme 2023. Collection method: clinical testing. Allele origin: germline.
Comment: The p.D480N variant (also known as c.1438G>A), located in coding exon 9 of the PDGFRA gene, results from a G to A substitution at nucleotide position 1438. The aspartic acid at codon 480 is replaced by asparagine, an amino acid with highly similar properties. This amino acid position is poorly conserved in available vertebrate species. In addition, this alteration is predicted to be tolerated by in silico analysis. Since supporting evidence is limited at this time, the clinical significance of this alteration remains unclear.

Baylor Genetics
Classification: Uncertain significance for Polyps, multiple and recurrent inflammatory fibroid, gastrointestinal. Last evaluated: 2023-12-28. Review status: criteria provided, single submitter. Criteria: ACMG Guidelines, 2015. Collection method: clinical testing. Allele origin: unknown.